The following is an entry in ClinVar:

ClinVar aggregate classification (germline): Pathogenic/Likely pathogenic. Review status: criteria provided, multiple submitters, no conflicts (2 of 4 stars). 2 submissions from 2 submitters: Pathogenic (1); Likely pathogenic (1). Last evaluated 2024-08-05.

Conditions:
Methylmalonic aciduria, cblA type (MACA). Also called: Methylmalonic aciduria, vitamin B12-responsive; Methylmalonic aciduria, vitamin b12-responsive, due to defect in synthesis of adenosylcobalamin, cbla complementation type; MMA cbl A type; Methylmalonic acidemia cblA type; Vitamin B12-responsive methylmalonic acidemia type cblA. Identifiers: Orphanet 28, Orphanet 79310, MedGen C1855109, MONDO:0009613, OMIM 251100.

Allele frequency attached by ClinVar (database versions not stated): gnomAD exomes below 0.00001.
gnomAD v4.1: 2 of 1,614,098 alleles (0.00012%); highest among the groups gnomAD compares: Admixed American, 0.0033%; no homozygotes.

Submissions (2):

Natera, Inc.
Classification: Likely pathogenic for Methylmalonic aciduria cblA type. Last evaluated: 2024-08-05. Review status: criteria provided, single submitter. Criteria: Natera Variant Classification Schema (03/2026). Collection method: clinical testing. Allele origin: germline.
Comment: The c.1087C>T variant in MMAA is a nonsense variant predicted to introduce a stop codon at amino acid 363. This variant is expected to result in nonsense mediated decay, truncation, or a dysfunctional protein product. This variant is rare in the general population with a frequency below the threshold expected for the associated phenotype(s). Given the available evidence, this variant is classified as Likely Pathogenic.

Labcorp Genetics (formerly Invitae), Labcorp
Classification: Pathogenic for Methylmalonic aciduria, cblA type. Last evaluated: 2023-02-08. Review status: criteria provided, single submitter. Criteria: Invitae Variant Classification Sherloc (09022015). Collection method: clinical testing. Allele origin: germline.
Comment: For these reasons, this variant has been classified as Pathogenic. This variant disrupts a region of the MMAA protein in which other variant(s) (p.Gln372*) have been determined to be pathogenic (PMID: 32034731). This suggests that this is a clinically significant region of the protein, and that variants that disrupt it are likely to be disease-causing. This variant has not been reported in the literature in individuals affected with MMAA-related conditions. This variant is present in population databases (no rsID available, gnomAD 0.006%). This sequence change creates a premature translational stop signal (p.Gln363*) in the MMAA gene. While this is not anticipated to result in nonsense mediated decay, it is expected to disrupt the last 56 amino acid(s) of the MMAA protein.

Literature cited by the submitters: PubMed 32034731 (cited by Labcorp Genetics (formerly Invitae), Labcorp).

NM_172250.3(MMAA):c.1087C>T (p.Gln363Ter)

Gene: MMAA (metabolism of cobalamin associated A; plus strand). Cytogenetic location: 4q31.21.
Variant type: single nucleotide variant.
Coding change: c.1087C>T on transcript NM_172250.3 (MANE Select); coding-DNA position 1087, C replaced by T.
Protein change: p.Gln363Ter; replaces glutamine 363 with a stop codon.
Molecular consequence: nonsense.
Genome position (GRCh38, 1-based): chr4:145,655,264, C>T. VCF-style: chr4-145655264-C-T. GRCh37 (hg19) VCF-style: chr4-146576416-C-T.
Other names: c.1087C>T (NM_172250.2); c.1087C>T, p.Gln363Ter (NM_001375644.1); short protein forms Q363*.
Identifiers: ClinVar variation 2906555 (VCV002906555.5), dbSNP rs1219472164, ClinGen allele CA358345767.